The following is an entry in ClinVar:

ClinVar aggregate classification (germline): Uncertain significance. Review status: criteria provided, multiple submitters, no conflicts (2 of 4 stars). 2 submissions from 2 submitters: Uncertain significance (2). Last evaluated 2022-11-01.

Allele frequency attached by ClinVar (database versions not stated): ExAC 0.00001.
gnomAD v4.1: 1 of 1,614,200 alleles (0.000062%); highest among the groups gnomAD compares: Non-Finnish European, 0.000085%; no homozygotes.

Submissions (2):

CeGaT Center for Human Genetics Tuebingen
Classification: Uncertain significance. Last evaluated: 2022-11-01. Review status: criteria provided, single submitter. Criteria: CeGaT Center For Human Genetics Tuebingen Variant Classification Criteria Version 2. Collection method: clinical testing. Allele origin: germline. Affected: yes. Observed: 1 variant allele.
Comment: ALPK1: PM2, BP4

Labcorp Genetics (formerly Invitae), Labcorp
Classification: Uncertain significance. Last evaluated: 2022-10-20. Review status: criteria provided, single submitter. Criteria: Invitae Variant Classification Sherloc (09022015). Collection method: clinical testing. Allele origin: germline.
Comment: This sequence change replaces glutamic acid, which is acidic and polar, with aspartic acid, which is acidic and polar, at codon 610 of the ALPK1 protein (p.Glu610Asp). This variant is present in population databases (rs773155528, gnomAD 0.0009%). This variant has not been reported in the literature in individuals affected with ALPK1-related conditions. Advanced modeling of protein sequence and biophysical properties (such as structural, functional, and spatial information, amino acid conservation, physicochemical variation, residue mobility, and thermodynamic stability) performed at Invitae indicates that this missense variant is not expected to disrupt ALPK1 protein function. In summary, the available evidence is currently insufficient to determine the role of this variant in disease. Therefore, it has been classified as a Variant of Uncertain Significance.

NM_025144.4(ALPK1):c.1830G>T (p.Glu610Asp)

Gene: ALPK1 (alpha kinase 1; plus strand). Cytogenetic location: 4q25.
Variant type: single nucleotide variant.
Coding change: c.1830G>T on transcript NM_025144.4 (MANE Select); coding-DNA position 1830, G replaced by T.
Protein change: p.Glu610Asp; replaces glutamic acid 610 with aspartic acid.
Molecular consequence: missense variant.
Genome position (GRCh38, 1-based): chr4:112,431,377, G>T. VCF-style: chr4-112431377-G-T. GRCh37 (hg19) VCF-style: chr4-113352533-G-T.
Other names: c.1830G>T, p.Glu610Asp (NM_001102406.2); c.1596G>T, p.Glu532Asp (NM_001253884.2); short protein forms E610D, E532D.
Identifiers: ClinVar variation 1925718 (VCV001925718.29), dbSNP rs773155528, ClinGen allele CA3046805.
Genomic context (GRCh38, chr4:112,431,377, plus strand): 5'-TTCCTCTGCAAGCTGGGAGGAAGTGAATTATCACGTTGACGACAGGTCAGCCAGAAAAGA[G>T]CCTGGCAAAGAACATCTGGTGGACACTCAGTGTTCCACTGCCTTGTCTGAGGAGCTAGAG-3'
Protein context (NP_079420.3, residues 600-620): YHVDDRSARK[Glu610Asp]PGKEHLVDTQ